The following is an entry in ClinVar:

NM_000301.5(PLG):c.1072T>A (p.Ser358Thr)

Gene: PLG (plasminogen; plus strand). Cytogenetic location: 6q26.
Variant type: single nucleotide variant.
Coding change: c.1072T>A on transcript NM_000301.5 (MANE Select); coding-DNA position 1072, T replaced by A.
Protein change: p.Ser358Thr; replaces serine 358 with threonine.
Molecular consequence: missense variant.
Genome position (GRCh38, 1-based): chr6:160,718,814, T>A. VCF-style: chr6-160718814-T-A. GRCh37 (hg19) VCF-style: chr6-161139846-T-A.
Other names: p.Ser358Thr; short protein forms S358T.
Identifiers: ClinVar variation 4541245 (VCV004541245.1).
Genomic context (GRCh38, chr6:160,718,814, plus strand): 5'-ACCAACAGCCAAGTGCGGTGGGAGTACTGTAAGATACCGTCCTGTGACTCCTCCCCAGTA[T>A]CCACGGAACAATTGGCTCCCACAGGTAAGCAAGGGTATGGGAGCTTACTGAGGGCCCAAG-3'
Protein context (NP_000292.1, residues 348-368): KIPSCDSSPV[Ser358Thr]TEQLAPTAPP

ClinVar aggregate classification (germline): Uncertain significance (1 of 4 stars; one submission).

gnomAD v4.1: 6 of 1,613,730 alleles (0.00037%); highest among the groups gnomAD compares: Non-Finnish European, 0.00051%; no homozygotes.

Submission:

Mayo Clinic Laboratories, Mayo Clinic
Classification: Uncertain significance. Last evaluated: 2024-11-12. Review status: criteria provided, single submitter. Criteria: ACMG Guidelines, 2015. Collection method: clinical testing. Allele origin: germline. Observed: 1 variant allele.
Comment: BP4